The following is an entry in ClinVar:

ClinVar aggregate classification (germline): Uncertain significance. Review status: criteria provided, multiple submitters, no conflicts (2 of 4 stars). 2 submissions from 2 submitters: Uncertain significance (2). Last evaluated 2018-04-18.

Conditions:
Cardiovascular phenotype. Identifiers: MedGen CN230736.
Family history of cardiomyopathy. Identifiers: MedGen C1272241.

Submissions (2):

Center for Advanced Laboratory Medicine, UC San Diego Health, University of California San Diego
Classification: Uncertain significance for Family history of cardiomyopathy. Last evaluated: 2018-04-18. Review status: criteria provided, single submitter. Criteria: ACMG Guidelines, 2015. Collection method: clinical testing. Allele origin: germline. Affected: yes. Observed: 1 variant allele.

Ambry Genetics
Classification: Uncertain significance for Cardiovascular phenotype. Last evaluated: 2018-01-31. Review status: criteria provided, single submitter. Criteria: Ambry Variant Classification Scheme 2023. Collection method: clinical testing. Allele origin: germline.
Comment: The p.E20380A variant (also known as c.61139A>C), located in coding exon 158 of the TTN gene, results from an A to C substitution at nucleotide position 61139. The glutamic acid at codon 20380 is replaced by alanine, an amino acid with dissimilar properties. This amino acid position is highly conserved in available vertebrate species. In addition, this alteration is predicted to be tolerated by in silico analysis. Since supporting evidence is limited at this time, the clinical significance of this alteration remains unclear.

NM_001267550.2(TTN):c.88334A>C (p.Glu29445Ala)

Genes: TTN (titin; minus strand), TTN-AS1 (TTN antisense RNA 1; plus strand). Cytogenetic location: 2q31.2.
Variant type: single nucleotide variant.
Coding change: c.88334A>C on transcript NM_001267550.2 (MANE Select); coding-DNA position 88334, A replaced by C.
Protein change: p.Glu29445Ala; replaces glutamic acid 29445 with alanine.
Molecular consequence: missense variant.
Genome position (GRCh38, 1-based): chr2:178,555,125, T>G on the plus strand (A>C on the coding strand, the complement: TTN is on the minus strand). VCF-style: chr2-178555125-T-G. GRCh37 (hg19) VCF-style: chr2-179419852-T-G.
Other names: c.83411A>C, p.Glu27804Ala (NM_001256850.1); c.61139A>C, p.Glu20380Ala (NM_003319.4); c.80630A>C, p.Glu26877Ala (NM_133378.4); c.61514A>C, p.Glu20505Ala (NM_133432.3); c.61715A>C, p.Glu20572Ala (NM_133437.4); short protein forms E20572A, E20380A, E20505A, E26877A, E27804A, E29445A.
Identifiers: ClinVar variation 691679 (VCV000691679.3), dbSNP rs1575553884, ClinGen allele CA349528304.
Genomic context (GRCh38, chr2:178,555,125, plus strand): 5'-GAAATGCCAGCTCTGAGCTTCACAGATGTACCTGCTCTGTATTTGACAACTTCTGTATAT[T>G]CTAGAGGCAAATCAATTACAGGACCACCTGCAAGAAAAACAGATGAGAAATATTTAAAAT-3'
Protein context (NP_001254479.2, residues 29435-29455): YGGPVIDLPL[Glu29445Ala]YTEVVKYRAG